The following is an entry in ClinVar:

NM_001261826.3(AP3D1):c.289G>A (p.Ala97Thr)

Gene: AP3D1 (adaptor related protein complex 3 subunit delta 1; minus strand). Cytogenetic location: 19p13.3.
Variant type: single nucleotide variant.
Coding change: c.289G>A on transcript NM_001261826.3 (MANE Select); coding-DNA position 289, G replaced by A.
Protein change: p.Ala97Thr; replaces alanine 97 with threonine.
Molecular consequence: missense variant.
Genome position (GRCh38, 1-based): chr19:2,137,076, C>T on the plus strand (G>A on the coding strand, the complement: AP3D1 is on the minus strand). VCF-style: chr19-2137076-C-T. GRCh37 (hg19) VCF-style: chr19-2137075-C-T.
Other names: c.289G>A, p.Ala97Thr (NM_001374799.1, NM_003938.8); short protein forms A97T.
Identifiers: ClinVar variation 1373258 (VCV001373258.9), dbSNP rs140333505, ClinGen allele CA9059780.
Genomic context (GRCh38, chr19:2,137,076, plus strand): 5'-GGATCTGATTGGTGGTCAGCATGATGACGTCGGTGCCTTCGTGAAAGCTCTGGGAAGCAG[C>T]GAGGTAGCCAATTCGCTGGGAGAGAACAGATGAGCACATCAGAGGCAGGACACCCGCAGC-3'
Protein context (NP_001248755.1, residues 87-107): KFTFKRIGYL[Ala97Thr]ASQSFHEGTD

ClinVar aggregate classification (germline): Uncertain significance. Review status: criteria provided, multiple submitters, no conflicts (2 of 4 stars). 2 submissions from 2 submitters: Uncertain significance (2). Last evaluated 2025-03-18.

Allele frequency attached by ClinVar (database versions not stated): gnomAD 0.00001 and 0.00003; TOPMed 0.00001; ExAC 0.00003; 1000 Genomes Project 0.00040; 1000 Genomes Project 30x 0.00047.
gnomAD v4.1: 45 of 1,590,044 alleles (0.0028%); highest among the groups gnomAD compares: Non-Finnish European, 0.0035%; no homozygotes.

Submissions (2):

Labcorp Genetics (formerly Invitae), Labcorp
Classification: Uncertain significance. Last evaluated: 2025-03-18. Review status: criteria provided, single submitter. Criteria: Invitae Variant Classification Sherloc (09022015). Collection method: clinical testing. Allele origin: germline.
Comment: This sequence change replaces alanine, which is neutral and non-polar, with threonine, which is neutral and polar, at codon 97 of the AP3D1 protein (p.Ala97Thr). The frequency data for this variant in the population databases is considered unreliable, as metrics indicate poor data quality at this position in the gnomAD database. This variant has not been reported in the literature in individuals affected with AP3D1-related conditions. ClinVar contains an entry for this variant (Variation ID: 1373258). An algorithm developed to predict the effect of missense changes on protein structure and function (PolyPhen-2) suggests that this variant is likely to be disruptive. In summary, the available evidence is currently insufficient to determine the role of this variant in disease. Therefore, it has been classified as a Variant of Uncertain Significance.

Blueprint Genetics
Classification: Uncertain significance. Last evaluated: 2021-11-04. Review status: criteria provided, single submitter. Criteria: ACMG Guidelines, 2015. Collection method: clinical testing. Allele origin: germline.